The following is an entry in ClinVar:

NM_001365951.3(KIF1B):c.4697A>G (p.Tyr1566Cys)

Gene: KIF1B (kinesin family member 1B; plus strand). Cytogenetic location: 1p36.22.
Variant type: single nucleotide variant.
Coding change: c.4697A>G on transcript NM_001365951.3 (MANE Select); coding-DNA position 4697, A replaced by G.
Protein change: p.Tyr1566Cys; replaces tyrosine 1566 with cysteine.
Molecular consequence: missense variant.
Genome position (GRCh38, 1-based): chr1:10,365,593, A>G. VCF-style: chr1-10365593-A-G. GRCh37 (hg19) VCF-style: chr1-10425651-A-G.
Other names: c.4697A>G, p.Tyr1566Cys (NM_001365952.1); c.4559A>G, p.Tyr1520Cys (NM_015074.3); short protein forms Y1520C, Y1566C.
Identifiers: ClinVar variation 1045244 (VCV001045244.11), dbSNP rs1460523196, ClinGen allele CA338322362.
Genomic context (GRCh38, chr1:10,365,593, plus strand): 5'-CCTCTCAGATCTCAACCACTACCTTTGAAAGCGCCATCACACCTAGCGAGAGCAGTGGCT[A>G]TGATTCAGGAGACATCGAAAGCCTGGTGGACCGAGAGAAAGAGCTGGCTACCAAGGTGTG-3'
Protein context (NP_001352880.1, residues 1556-1576): SAITPSESSG[Tyr1566Cys]DSGDIESLVD

ClinVar aggregate classification (germline): Uncertain significance. Review status: criteria provided, multiple submitters, no conflicts (2 of 4 stars). 2 submissions from 2 submitters: Uncertain significance (2). Last evaluated 2023-06-24.

Conditions:
Charcot-Marie-Tooth disease type 2. Also called: Charcot-Marie-Tooth type 2. Identifiers: Orphanet 64746, MedGen C0270914, MONDO:0018993.

Allele frequency attached by ClinVar (database versions not stated): TOPMed below 0.00001; gnomAD 0.00001; gnomAD exomes below 0.00001.

Submissions (2):

Ambry Genetics
Classification: Uncertain significance. Last evaluated: 2023-06-24. Review status: criteria provided, single submitter. Criteria: Ambry Variant Classification Scheme 2023. Collection method: clinical testing. Allele origin: germline.
Comment: The p.Y1520C variant (also known as c.4559A>G), located in coding exon 40 of the KIF1B gene, results from an A to G substitution at nucleotide position 4559. The tyrosine at codon 1520 is replaced by cysteine, an amino acid with highly dissimilar properties. This amino acid position is highly conserved in available vertebrate species. In addition, the in silico prediction for this alteration is inconclusive. Since supporting evidence is limited at this time, the clinical significance of this alteration remains unclear.

Labcorp Genetics (formerly Invitae), Labcorp
Classification: Uncertain significance for Charcot-Marie-Tooth disease type 2. Last evaluated: 2020-05-26. Review status: criteria provided, single submitter. Criteria: Invitae Variant Classification Sherloc (09022015). Collection method: clinical testing. Allele origin: germline.
Comment: Algorithms developed to predict the effect of missense changes on protein structure and function are either unavailable or do not agree on the potential impact of this missense change (SIFT: "Tolerated"; PolyPhen-2: "Probably Damaging"; Align-GVGD: "Class C0"). This sequence change replaces tyrosine with cysteine at codon 1520 of the KIF1B protein (p.Tyr1520Cys). The tyrosine residue is moderately conserved and there is a large physicochemical difference between tyrosine and cysteine. This variant is not present in population databases (ExAC no frequency). This variant has not been reported in the literature in individuals with KIF1B-related conditions. In summary, the available evidence is currently insufficient to determine the role of this variant in disease. Therefore, it has been classified as a Variant of Uncertain Significance.